The following is an entry in ClinVar:

ClinVar aggregate classification (germline): Uncertain significance (1 of 4 stars; one submission).

Submission:

Ambry Genetics
Classification: Uncertain significance. Last evaluated: 2024-11-15. Review status: criteria provided, single submitter. Criteria: Ambry Variant Classification Scheme 2023. Collection method: clinical testing. Allele origin: germline.
Comment: The p.G159D variant (also known as c.476G>A), located in coding exon 1 of the EGLN2 gene, results from a G to A substitution at nucleotide position 476. The glycine at codon 159 is replaced by aspartic acid, an amino acid with similar properties. This amino acid position is conserved. In addition, this alteration is predicted to be tolerated by in silico analysis. Since supporting evidence is limited at this time, the clinical significance of this alteration remains unclear.

NM_080732.4(EGLN2):c.476G>A (p.Gly159Asp)

Genes: EGLN2 (egl-9 family hypoxia inducible factor 2; plus strand), RAB4B-EGLN2 (RAB4B-EGLN2 readthrough (NMD candidate); plus strand). Cytogenetic location: 19q13.2.
Variant type: single nucleotide variant.
Coding change: c.476G>A on transcript NM_080732.4 (MANE Select); coding-DNA position 476, G replaced by A.
Protein change: p.Gly159Asp; replaces glycine 159 with aspartic acid.
Molecular consequence: missense variant. On other transcripts: non-coding transcript variant (1).
Genome position (GRCh38, 1-based): chr19:40,801,048, G>A. VCF-style: chr19-40801048-G-A. GRCh37 (hg19) VCF-style: chr19-41306953-G-A.
Other names: c.476G>A, p.Gly159Asp (NM_053046.4); short protein forms G159D.
Identifiers: ClinVar variation 1742953 (VCV001742953.3), dbSNP rs2515994291, ClinGen allele CA405955342.
Genomic context (GRCh38, chr19:40,801,048, plus strand): 5'-AAGAGAACCAGGAGGCAGAGCGGGAGGGTGGCATGAGCTGCAGCTGCAGCAGTGGCAGTG[G>A]TGAGGCCAGTGCTGGGCTGATGGAGGAGGCGCTGCCCTCTGCGCCCGAGCGCCTGGCCCT-3'
Protein context (NP_542770.2, residues 149-169): GMSCSCSSGS[Gly159Asp]EASAGLMEEA